The following is an entry in ClinVar:

ClinVar aggregate classification (germline): Uncertain significance (1 of 4 stars; one submission).

Allele frequency attached by ClinVar (database versions not stated): gnomAD exomes below 0.00001; TOPMed below 0.00001.
gnomAD v4.1: 3 of 1,614,230 alleles (0.00019%); highest among the groups gnomAD compares: African/African-American, 0.0013%; no homozygotes.

Submission:

Labcorp Genetics (formerly Invitae), Labcorp
Classification: Uncertain significance. Last evaluated: 2024-11-05. Review status: criteria provided, single submitter. Criteria: Invitae Variant Classification Sherloc (09022015). Collection method: clinical testing. Allele origin: germline.
Comment: This sequence change replaces alanine, which is neutral and non-polar, with valine, which is neutral and non-polar, at codon 360 of the AGBL5 protein (p.Ala360Val). This variant is not present in population databases (gnomAD no frequency). This variant has not been reported in the literature in individuals affected with AGBL5-related conditions. ClinVar contains an entry for this variant (Variation ID: 1008578). An algorithm developed to predict the effect of missense changes on protein structure and function outputs the following: PolyPhen-2: "Benign". The valine amino acid residue is found in multiple mammalian species, which suggests that this missense change does not adversely affect protein function. In summary, the available evidence is currently insufficient to determine the role of this variant in disease. Therefore, it has been classified as a Variant of Uncertain Significance.

NM_021831.6(AGBL5):c.1079C>T (p.Ala360Val)

Gene: AGBL5 (AGBL carboxypeptidase 5; plus strand). Cytogenetic location: 2p23.3.
Variant type: single nucleotide variant.
Coding change: c.1079C>T on transcript NM_021831.6 (MANE Select); coding-DNA position 1079, C replaced by T.
Protein change: p.Ala360Val; replaces alanine 360 with valine.
Molecular consequence: missense variant. On other transcripts: non-coding transcript variant (2).
Genome position (GRCh38, 1-based): chr2:27,055,852, C>T. VCF-style: chr2-27055852-C-T. GRCh37 (hg19) VCF-style: chr2-27278720-C-T.
Other names: c.1079C>T, p.Ala360Val (NM_001035507.3); short protein forms A360V.
Identifiers: ClinVar variation 1008578 (VCV001008578.9), dbSNP rs1406589846, ClinGen allele CA346179049.
Genomic context (GRCh38, chr2:27,055,852, plus strand): 5'-CTCGTCTGAACTCCCAGAGTTCCTCTGAGCACCAGCCCAGTTCCTGTCTCCCTCCTGATG[C>T]TCCTGTTTCTGACCTGGAGAAAGCCAACAATCTCCAAAATGAAGCTCAGTGTGGGCACTC-3'
Protein context (NP_068603.4, residues 350-370): HQPSSCLPPD[Ala360Val]PVSDLEKANN